The following is an entry in ClinVar:

ClinVar aggregate classification (germline): Pathogenic (1 of 4 stars; one submission).

Conditions:
Methylmalonic aciduria and homocystinuria type cblD (MAHCD). Also called: METHYLMALONIC ACIDEMIA, cblH TYPE; Methylmalonic aciduria with homocystinuria cblD type. Identifiers: Orphanet 622, Orphanet 79283, MedGen C1848552, MONDO:0010185, OMIM 277410.

Submission:

Labcorp Genetics (formerly Invitae), Labcorp
Classification: Pathogenic for Methylmalonic aciduria and homocystinuria type cblD. Last evaluated: 2022-06-29. Review status: criteria provided, single submitter. Criteria: Invitae Variant Classification Sherloc (09022015). Collection method: clinical testing. Allele origin: germline.
Comment: This sequence change creates a premature translational stop signal (p.Ile51Asnfs*9) in the MMADHC gene. It is expected to result in an absent or disrupted protein product. Loss-of-function variants in MMADHC are known to be pathogenic (PMID: 18385497). This variant is not present in population databases (gnomAD no frequency). This variant has not been reported in the literature in individuals affected with MMADHC-related conditions. For these reasons, this variant has been classified as Pathogenic.

Literature cited by the submitters: PubMed 18385497.

NM_015702.3(MMADHC):c.151dup (p.Ile51fs)

Gene: MMADHC (metabolism of cobalamin associated D; minus strand). Cytogenetic location: 2q23.2.
Variant type: Duplication.
Coding change: c.151dup on transcript NM_015702.3 (MANE Select); coding-DNA position 151, one base duplicated (A; older notation c.151dupA).
Protein change: p.Ile51fs; shifts the reading frame from isoleucine 51.
Molecular consequence: frameshift variant.
Genome position (GRCh38, 1-based): chr2:149,582,130, T duplicated on the plus strand (A on the coding strand, the reverse complement: MMADHC is on the minus strand). VCF-style (leftmost placement, unchanged base first): chr2-149582129-A-AT. GRCh37 (hg19) VCF-style: chr2-150438643-A-AT.
Other names: short protein forms I51fs.
Identifiers: ClinVar variation 2012128 (VCV002012128.4), dbSNP rs2467647793, ClinGen allele CA2580063867.
Genomic context (GRCh38, chr2:149,582,129, plus strand): 5'-ATACAACTAAAAATGTTTTGAAACAATTATAAGTAAAGCAGTAACAACTTTCACTTACAT[A>AT]TATCTGGAGGTGCAGCAGCCACATGAGACTCATCCGAACCTGATGATCCTGCAGTCGAAA-3'